The following is an entry in ClinVar:

NM_001174096.2(ZEB1):c.327dup (p.Asp110fs)

Gene: ZEB1 (zinc finger E-box binding homeobox 1; plus strand). Cytogenetic location: 10p11.22.
Variant type: Duplication.
Coding change: c.327dup on transcript NM_001174096.2 (MANE Select); coding-DNA position 327, one base duplicated (A; older notation c.327dupA).
Protein change: p.Asp110fs; shifts the reading frame from aspartic acid 110.
Molecular consequence: frameshift variant. On other transcripts: 5 prime UTR variant (29), intron variant (3), splice acceptor variant (1).
Genome position (GRCh38, 1-based): chr10:31,502,352, A duplicated; the last of 4 consecutive A bases (chr10:31,502,349-31,502,352); duplicating any one gives the same sequence. VCF-style (leftmost placement, unchanged base first): chr10-31502348-T-TA. GRCh37 (hg19) VCF-style: chr10-31791276-T-TA.
Other names: c.276dup, p.Asp93fs (NM_001128128.3); c.264dup, p.Asp89fs (NM_001174093.2); c.273dup, p.Asp92fs (NM_001174094.2); c.123dup, p.Asp42fs (NM_001174095.2); c.-331dup (NM_001323638.2, NM_001323641.2, NM_001323642.2 and 26 more transcripts); c.285dup, p.Asp96fs (NM_001323676.2); c.282dup, p.Asp95fs (NM_001323677.2); c.324dup, p.Asp109fs (NM_030751.6); and 4 more; short protein forms D110fs, D89fs, D109fs, D42fs, D92fs, D96fs, D93fs, D95fs.
Identifiers: ClinVar variation 4838558 (VCV004838558.1).
Genomic context (GRCh38, chr10:31,502,348, plus strand): 5'-AAAACCTTTGTAATAACTTAGTGGTGAGATTGCTGTCTTAAAAGTATGCATTTTTTTTAG[T>TA]AAAAGATGATGAATGCGAGTCAGATGCAGAAAATGAGCAAAACCATGATCCTAATGTTGA-3'

ClinVar aggregate classification (germline): Pathogenic (1 of 4 stars; one submission).

Conditions:
Inborn genetic diseases. Identifiers: MedGen C0950123, MeSH D030342.

Submission:

Ambry Genetics
Classification: Pathogenic for Inborn genetic diseases. Last evaluated: 2026-01-12. Review status: criteria provided, single submitter. Criteria: Ambry Variant Classification Scheme 2023. Collection method: clinical testing. Allele origin: germline.
Comment: The c.324dupA (p.D109Rfs*2) alteration, located in exon 4 (coding exon 4) of the ZEB1 gene, consists of a duplication of A at position 324, causing a translational frameshift with a predicted alternate stop codon after 2 amino acids. This alteration is expected to result in loss of function by premature protein truncation or nonsense-mediated mRNA decay. This variant was not reported in population-based cohorts in the Genome Aggregation Database (gnomAD). Based on the available evidence, this alteration is classified as pathogenic.